The following is an entry in ClinVar:

ClinVar aggregate classification (germline): Uncertain significance (1 of 4 stars; one submission).

Conditions:
Familial cancer of breast. Also called: Hereditary breast cancer; hereditary breast carcinoma; BREAST CANCER, FAMILIAL. Identifiers: Orphanet 227535, MedGen C0346153, MONDO:0016419, OMIM 114480. Disease mechanism: loss of function.
Fanconi anemia complementation group J. Also called: BRIP1-Related Fanconi Anemia. Identifiers: Orphanet 84, MedGen C1836860, MONDO:0012187, OMIM 609054.

Submission:

Labcorp Genetics (formerly Invitae), Labcorp
Classification: Uncertain significance for Familial cancer of breast; Fanconi anemia complementation group J. Last evaluated: 2025-07-14. Review status: criteria provided, single submitter. Criteria: Invitae Variant Classification Sherloc (09022015). Collection method: clinical testing. Allele origin: germline.
Comment: This sequence change replaces valine, which is neutral and non-polar, with leucine, which is neutral and non-polar, at codon 911 of the BRIP1 protein (p.Val911Leu). This variant is not present in population databases (gnomAD no frequency). This variant has not been reported in the literature in individuals affected with BRIP1-related conditions. ClinVar contains an entry for this variant (Variation ID: 1404471). Invitae Evidence Modeling of protein sequence and biophysical properties (such as structural, functional, and spatial information, amino acid conservation, physicochemical variation, residue mobility, and thermodynamic stability) indicates that this missense variant is not expected to disrupt BRIP1 protein function with a negative predictive value of 95%. In summary, the available evidence is currently insufficient to determine the role of this variant in disease. Therefore, it has been classified as a Variant of Uncertain Significance.

NM_032043.3(BRIP1):c.2731G>T (p.Val911Leu)

Gene: BRIP1 (BRCA1 interacting DNA helicase 1; minus strand). Cytogenetic location: 17q23.2.
Variant type: single nucleotide variant.
Coding change: c.2731G>T on transcript NM_032043.3 (MANE Select); coding-DNA position 2731, G replaced by T.
Protein change: p.Val911Leu; replaces valine 911 with leucine.
Molecular consequence: missense variant.
Genome position (GRCh38, 1-based): chr17:61,686,010, C>A on the plus strand (G>T on the coding strand, the complement: BRIP1 is on the minus strand). VCF-style: chr17-61686010-C-A. GRCh37 (hg19) VCF-style: chr17-59763371-C-A.
Other names: short protein forms V911L.
Identifiers: ClinVar variation 1404471 (VCV001404471.9), dbSNP rs1555573392, ClinGen allele CA400481646.
Genomic context (GRCh38, chr17:61,686,010, plus strand): 5'-GTGATAGATGACTTGCTGCTTCCAGTAAATAAGGTGAGGTACTGTACTTTAAAGAGGTCA[C>A]TTCAAGTGTAGACTCATTGTCCTGTATATTGGTTCTGTCCTTTATGGATACATTAAGAAC-3'
Protein context (NP_114432.2, residues 901-921): NIQDNESTLE[Val911Leu]TSLKYSTSPY